The following is an entry in ClinVar:

ClinVar aggregate classification (germline): Likely benign (0 of 4 stars; one submission).

Conditions:
LRP1-related disorder. Also called: LRP1-related condition.

Allele frequency attached by ClinVar (database versions not stated): gnomAD 0.00003; gnomAD exomes 0.00006; TOPMed 0.00008; ExAC 0.00015; 1000 Genomes Project 0.00020; 1000 Genomes Project 30x 0.00031.
gnomAD v4.1: 86 of 1,614,092 alleles (0.0053%); highest among the groups gnomAD compares: East Asian, 0.1%; no homozygotes.

Submission:

PreventionGenetics, part of Exact Sciences
Classification: Likely benign for LRP1-related condition. Last evaluated: 2019-06-17. Review status: no assertion criteria provided. Collection method: clinical testing. Allele origin: germline.
Comment: This variant is classified as likely benign based on ACMG/AMP sequence variant interpretation guidelines (Richards et al. 2015 PMID: 25741868, with internal and published modifications).

NM_002332.3(LRP1):c.471C>T (p.Tyr157=)

Genes: LRP1 (LDL receptor related protein 1; plus strand), LRP1-AS (LRP1 antisense RNA; minus strand). Cytogenetic location: 12q13.3.
Variant type: single nucleotide variant.
Coding change: c.471C>T on transcript NM_002332.3 (MANE Select); coding-DNA position 471, C replaced by T.
Protein change: p.Tyr157=; no amino-acid change (tyrosine 157 retained).
Molecular consequence: synonymous variant. On other transcripts: non-coding transcript variant (1).
Genome position (GRCh38, 1-based): chr12:57,144,994, C>T. VCF-style: chr12-57144994-C-T. GRCh37 (hg19) VCF-style: chr12-57538777-C-T.
Identifiers: ClinVar variation 3034492 (VCV003034492.2), dbSNP rs148345722, ClinGen allele CA6642272.